The following is an entry in ClinVar:

ClinVar aggregate classification (germline): Uncertain significance. Review status: criteria provided, multiple submitters, no conflicts (2 of 4 stars). 2 submissions from 2 submitters: Uncertain significance (2). Last evaluated 2026-02-02.

Allele frequency attached by ClinVar (database versions not stated): gnomAD exomes below 0.00001; TOPMed below 0.00001.
gnomAD v4.1: 2 of 1,610,942 alleles (0.00012%); highest among the groups gnomAD compares: Non-Finnish European, 0.00017%; no homozygotes.

Submissions (2):

Labcorp Genetics (formerly Invitae), Labcorp
Classification: Uncertain significance. Last evaluated: 2026-02-02. Review status: criteria provided, single submitter. Criteria: Invitae Variant Classification Sherloc (09022015). Collection method: clinical testing. Allele origin: germline.
Comment: This sequence change replaces glycine, which is neutral and non-polar, with arginine, which is basic and polar, at codon 502 of the COL9A2 protein (p.Gly502Arg). This variant is not present in population databases (gnomAD no frequency). This variant has not been reported in the literature in individuals affected with COL9A2-related conditions. ClinVar contains an entry for this variant (Variation ID: 593193). Invitae Evidence Modeling of protein sequence and biophysical properties (such as structural, functional, and spatial information, amino acid conservation, physicochemical variation, residue mobility, and thermodynamic stability) indicates that this missense variant is expected to disrupt COL9A2 protein function with a positive predictive value of 95%. In summary, the available evidence is currently insufficient to determine the role of this variant in disease. Therefore, it has been classified as a Variant of Uncertain Significance.

Eurofins Ntd Llc (ga)
Classification: Uncertain significance. Last evaluated: 2017-07-13. Review status: criteria provided, single submitter. Criteria: EGL Classification Definitions 2015. Collection method: clinical testing. Allele origin: germline. Observed: 1 variant allele, 1 heterozygote.

NM_001852.4(COL9A2):c.1504G>A (p.Gly502Arg)

Gene: COL9A2 (collagen type IX alpha 2 chain; minus strand). Cytogenetic location: 1p34.2.
Variant type: single nucleotide variant.
Coding change: c.1504G>A on transcript NM_001852.4 (MANE Select); coding-DNA position 1504, G replaced by A.
Protein change: p.Gly502Arg; replaces glycine 502 with arginine.
Molecular consequence: missense variant.
Genome position (GRCh38, 1-based): chr1:40,303,574, C>T on the plus strand (G>A on the coding strand, the complement: COL9A2 is on the minus strand). VCF-style: chr1-40303574-C-T. GRCh37 (hg19) VCF-style: chr1-40769246-C-T.
Other names: short protein forms G502R.
Identifiers: ClinVar variation 593193 (VCV000593193.6), dbSNP rs1462099143, ClinGen allele CA339878109.